The following is an entry in ClinVar:

NM_001039141.3(TRIOBP):c.661C>T (p.His221Tyr)

Gene: TRIOBP (TRIO and F-actin binding protein; plus strand). Cytogenetic location: 22q13.1.
Variant type: single nucleotide variant.
Coding change: c.661C>T on transcript NM_001039141.3 (MANE Select); coding-DNA position 661, C replaced by T.
Protein change: p.His221Tyr; replaces histidine 221 with tyrosine.
Molecular consequence: missense variant.
Genome position (GRCh38, 1-based): chr22:37,723,217, C>T. VCF-style: chr22-37723217-C-T. GRCh37 (hg19) VCF-style: chr22-38119224-C-T.
Other names: short protein forms H221Y.
Identifiers: ClinVar variation 1395554 (VCV001395554.6), dbSNP rs186143100, ClinGen allele CA324130360.

ClinVar aggregate classification (germline): Uncertain significance (1 of 4 stars; one submission).

Allele frequency attached by ClinVar (database versions not stated): gnomAD exomes below 0.00001; gnomAD 0.00001; TOPMed 0.00001; 1000 Genomes Project 30x 0.00016; 1000 Genomes Project 0.00020.
gnomAD v4.1: 3 of 1,613,966 alleles (0.00019%); highest among the groups gnomAD compares: East Asian, 0.0067%; no homozygotes.

Submission:

Labcorp Genetics (formerly Invitae), Labcorp
Classification: Uncertain significance. Last evaluated: 2021-11-28. Review status: criteria provided, single submitter. Criteria: Invitae Variant Classification Sherloc (09022015). Collection method: clinical testing. Allele origin: germline.
Comment: In summary, the available evidence is currently insufficient to determine the role of this variant in disease. Therefore, it has been classified as a Variant of Uncertain Significance. Algorithms developed to predict the effect of missense changes on protein structure and function are either unavailable or do not agree on the potential impact of this missense change (SIFT: "Deleterious"; PolyPhen-2: "Possibly Damaging"; Align-GVGD: "Class C0"). This variant has not been reported in the literature in individuals affected with TRIOBP-related conditions. This variant is not present in population databases (gnomAD no frequency). This sequence change replaces histidine, which is basic and polar, with tyrosine, which is neutral and polar, at codon 221 of the TRIOBP protein (p.His221Tyr).